The following is an entry in ClinVar:

ClinVar aggregate classification (germline): Conflicting classifications of pathogenicity. Review status: criteria provided, conflicting classifications (1 of 4 stars). 2 submissions from 2 submitters: Uncertain significance (1); Likely benign (1). Last evaluated 2025-06-04.

gnomAD v4.1: 25 of 1,614,050 alleles (0.0015%); highest among the groups gnomAD compares: Non-Finnish European, 0.0011%; no homozygotes.

Submissions (2):

Women's Health and Genetics/Laboratory Corporation of America, LabCorp
Classification: Uncertain significance. Last evaluated: 2025-06-04. Review status: criteria provided, single submitter. Criteria: LabCorp Variant Classification Summary - May 2015. Collection method: clinical testing. Allele origin: germline.
Comment: Variant summary: UBTF c.2024C>T (p.Ser675Leu) results in a non-conservative amino acid change in the encoded protein sequence. Algorithms developed to predict the effect of missense changes on protein structure and function all suggest that this variant is likely to be disruptive. Consensus agreement among computation tools predict no significant impact on normal splicing. However, these predictions have yet to be confirmed by functional studies. The variant allele was found at a frequency of 2.4e-05 in 251484 control chromosomes. The available data on variant occurrences in the general population are insufficient to allow any conclusion about variant significance. To our knowledge, no occurrence of c.2024C>T in individuals affected with Childhood-Onset Motor And Cognitive Regression Syndrome With Extrapyramidal Movement Disorder and no experimental evidence demonstrating its impact on protein function have been reported. No submitters have cited clinical-significance assessments for this variant to ClinVar. Based on the evidence outlined above, the variant was classified as uncertain significance.

Blueprint Genetics
Classification: Likely benign. Last evaluated: 2023-02-21. Review status: criteria provided, single submitter. Criteria: ACMG Guidelines, 2015. Collection method: clinical testing. Allele origin: germline.

NM_014233.4(UBTF):c.2024C>T (p.Ser675Leu)

Genes: ATXN7L3-AS1 (ATXN7L3 antisense RNA 1; plus strand), UBTF (upstream binding transcription factor; minus strand). Cytogenetic location: 17q21.31.
Variant type: single nucleotide variant.
Coding change: c.2024C>T on transcript NM_014233.4 (MANE Select); coding-DNA position 2024, C replaced by T.
Protein change: p.Ser675Leu; replaces serine 675 with leucine.
Molecular consequence: missense variant. On other transcripts: non-coding transcript variant (1).
Genome position (GRCh38, 1-based): chr17:44,207,700, G>A on the plus strand (C>T on the coding strand, the complement: UBTF is on the minus strand). VCF-style: chr17-44207700-G-A. GRCh37 (hg19) VCF-style: chr17-42285068-G-A.
Other names: c.1913C>T, p.Ser638Leu (NM_001076683.2, NM_001076684.3); short protein forms S638L, S675L.
Identifiers: ClinVar variation 3907383 (VCV003907383.2).